The following is an entry in ClinVar:

NM_012431.3(SEMA3E):c.671-1G>C

Gene: SEMA3E (semaphorin 3E; minus strand). Cytogenetic location: 7q21.11.
Variant type: single nucleotide variant.
Coding change: c.671-1G>C on transcript NM_012431.3 (MANE Select); the canonical splice acceptor site of the intron before coding-DNA position 671, G replaced by C.
Molecular consequence: splice acceptor variant.
Genome position (GRCh38, 1-based): chr7:83,407,240, C>G on the plus strand (G>C on the coding strand, the complement: SEMA3E is on the minus strand). VCF-style: chr7-83407240-C-G. GRCh37 (hg19) VCF-style: chr7-83036556-C-G.
Other names: c.491-1G>C (NM_001178129.2).
Identifiers: ClinVar variation 2150126 (VCV002150126.4), dbSNP rs1484674914, ClinGen allele CA367930470.

ClinVar aggregate classification (germline): Uncertain significance (1 of 4 stars; one submission).

Conditions:
CHARGE syndrome (CHARGE). Also called: Hittner Hirsch Kreh syndrome; CHARGE ASSOCIATION--COLOBOMA, HEART ANOMALY, CHOANAL ATRESIA, RETARDATION, GENITAL AND EAR ANOMALIES; Coloboma, heart anomaly, choanal atresia, retardation, genital and ear anomalies; CHARGE association; Hall-Hittner syndrome. Identifiers: Orphanet 138, MedGen C0265354, MONDO:0008965.

Allele frequency attached by ClinVar (database versions not stated): TOPMed below 0.00001; gnomAD exomes 0.00001.
gnomAD v4.1: 8 of 1,611,766 alleles (0.0005%); highest among the groups gnomAD compares: Non-Finnish European, 0.00068%; no homozygotes.

Submission:

Labcorp Genetics (formerly Invitae), Labcorp
Classification: Uncertain significance for CHARGE syndrome. Last evaluated: 2024-11-08. Review status: criteria provided, single submitter. Criteria: Invitae Variant Classification Sherloc (09022015). Collection method: clinical testing. Allele origin: germline.
Comment: This sequence change affects an acceptor splice site in intron 6 of the SEMA3E gene. It is expected to disrupt RNA splicing. Variants that disrupt the donor or acceptor splice site typically lead to a loss of protein function (PMID: 16199547), however the current clinical and genetic evidence is not sufficient to establish whether loss-of-function variants in SEMA3E cause disease. This variant is present in population databases (no rsID available, gnomAD 0.0009%). This variant has not been reported in the literature in individuals affected with SEMA3E-related conditions. ClinVar contains an entry for this variant (Variation ID: 2150126). Algorithms developed to predict the effect of sequence changes on RNA splicing suggest that this variant may disrupt the consensus splice site. In summary, the available evidence is currently insufficient to determine the role of this variant in disease. Therefore, it has been classified as a Variant of Uncertain Significance.

Literature cited by the submitters: PubMed 16199547.